The following is an entry in ClinVar:

ClinVar aggregate classification (germline): Uncertain significance (1 of 4 stars; one submission).

Conditions:
Myofibrillar myopathy 5. Also called: Filaminopathy (type); FILAMINOPATHY, AUTOSOMAL DOMINANT. Identifiers: Orphanet 171445, MedGen C1836050, MONDO:0012289, OMIM 609524.
Hypertrophic cardiomyopathy 26. Also called: Cardiomyopathy, familial hypertrophic, 26. Identifiers: Orphanet 75249, MedGen C4310749, MONDO:0014883, OMIM 617047.
Dilated Cardiomyopathy, Dominant.
Distal myopathy with posterior leg and anterior hand involvement. Also called: WILLIAMS DISTAL MYOPATHY. Identifiers: Orphanet 63273, MedGen C3279722, MONDO:0013550, OMIM 614065.

Allele frequency attached by ClinVar (database versions not stated): gnomAD exomes below 0.00001.

Submission:

Labcorp Genetics (formerly Invitae), Labcorp
Classification: Uncertain significance for Distal myopathy with posterior leg and anterior hand involvement; Myofibrillar myopathy 5; Hypertrophic cardiomyopathy 26. Last evaluated: 2021-09-17. Review status: criteria provided, single submitter. Criteria: Invitae Variant Classification Sherloc (09022015). Collection method: clinical testing. Allele origin: germline.
Comment: This sequence change replaces asparagine with aspartic acid at codon 1307 of the FLNC protein (p.Asn1307Asp). The asparagine residue is moderately conserved and there is a small physicochemical difference between asparagine and aspartic acid. This variant is not present in population databases (ExAC no frequency). This variant has not been reported in the literature in individuals affected with FLNC-related conditions. Algorithms developed to predict the effect of missense changes on protein structure and function (SIFT, PolyPhen-2, Align-GVGD) all suggest that this variant is likely to be tolerated. In summary, the available evidence is currently insufficient to determine the role of this variant in disease. Therefore, it has been classified as a Variant of Uncertain Significance.

NM_001458.5(FLNC):c.3919A>G (p.Asn1307Asp)

Gene: FLNC (filamin C; plus strand). Cytogenetic location: 7q32.1.
Variant type: single nucleotide variant.
Coding change: c.3919A>G on transcript NM_001458.5 (MANE Select); coding-DNA position 3919, A replaced by G.
Protein change: p.Asn1307Asp; replaces asparagine 1307 with aspartic acid.
Molecular consequence: missense variant.
Genome position (GRCh38, 1-based): chr7:128,846,118, A>G. VCF-style: chr7-128846118-A-G. GRCh37 (hg19) VCF-style: chr7-128486172-A-G.
Other names: c.3919A>G, p.Asn1307Asp (NM_001127487.2); short protein forms N1307D.
Identifiers: ClinVar variation 1519858 (VCV001519858.1), dbSNP rs1808554442, ClinGen allele CA369198729.